The following is an entry in ClinVar:

NM_000075.4(CDK4):c.522+9A>C

Gene: CDK4 (cyclin dependent kinase 4; minus strand). Cytogenetic location: 12q14.1.
Variant type: single nucleotide variant.
Coding change: c.522+9A>C on transcript NM_000075.4 (MANE Select); 9 bases into the intron after coding-DNA position 522, A replaced by C.
Molecular consequence: intron variant.
Genome position (GRCh38, 1-based): chr12:57,750,914, T>G on the plus strand (A>C on the coding strand, the complement: CDK4 is on the minus strand). VCF-style: chr12-57750914-T-G. GRCh37 (hg19) VCF-style: chr12-58144697-T-G.
Identifiers: ClinVar variation 1580328 (VCV001580328.9), dbSNP rs2140386258, ClinGen allele CA2573148925.

ClinVar aggregate classification (germline): Likely benign. Review status: criteria provided, multiple submitters, no conflicts (2 of 4 stars). 2 submissions from 2 submitters: Likely benign (2). Last evaluated 2025-12-13.

Conditions:
Familial melanoma. Also called: Hereditary melanoma; Hereditary cutaneous melanoma. Identifiers: Orphanet 618, MedGen C1512419, MONDO:0018961.
Melanoma, cutaneous malignant, susceptibility to, 3. Also called: Cutaneous malignant melanoma 3. Identifiers: Orphanet 618, MedGen C1836892, MONDO:0012183, OMIM 609048.

Submissions (2):

Labcorp Genetics (formerly Invitae), Labcorp
Classification: Likely benign for Familial melanoma. Last evaluated: 2025-12-13. Review status: criteria provided, single submitter. Criteria: Invitae Variant Classification Sherloc (09022015). Collection method: clinical testing. Allele origin: germline.

Myriad Genetics, Inc.
Classification: Likely benign for Melanoma, cutaneous malignant, susceptibility to, 3. Last evaluated: 2024-09-25. Review status: criteria provided, single submitter. Criteria: Myriad Autosomal Dominant, Autosomal Recessive and X-Linked Classification Criteria (2023). Collection method: clinical testing. Allele origin: unknown.
Comment: This variant is considered likely benign. This variant is intronic and is not expected to impact mRNA splicing.